The following is an entry in ClinVar:

ClinVar aggregate classification (germline): Uncertain significance (1 of 4 stars; one submission).

Conditions:
Inborn genetic diseases. Identifiers: MedGen C0950123, MeSH D030342.

Submission:

Ambry Genetics
Classification: Uncertain significance for Inborn genetic diseases. Last evaluated: 2026-01-16. Review status: criteria provided, single submitter. Criteria: Ambry Variant Classification Scheme 2023. Collection method: clinical testing. Allele origin: germline.
Comment: The p.Q214L variant (also known as c.641A>T), located in coding exon 2 of the GATA2 gene, results from an A to T substitution at nucleotide position 641. The glutamine at codon 214 is replaced by leucine, an amino acid with dissimilar properties. This amino acid position is conserved. In addition, this alteration is predicted to be deleterious by in silico analysis. Based on the available evidence, the clinical significance of this variant remains unclear.

NM_032638.5(GATA2):c.641A>T (p.Gln214Leu)

Gene: GATA2 (GATA binding protein 2; minus strand). Cytogenetic location: 3q21.3.
Variant type: single nucleotide variant.
Coding change: c.641A>T on transcript NM_032638.5 (MANE Select); coding-DNA position 641, A replaced by T.
Protein change: p.Gln214Leu; replaces glutamine 214 with leucine.
Molecular consequence: missense variant.
Genome position (GRCh38, 1-based): chr3:128,485,957, T>A on the plus strand (A>T on the coding strand, the complement: GATA2 is on the minus strand). VCF-style: chr3-128485957-T-A. GRCh37 (hg19) VCF-style: chr3-128204800-T-A.
Other names: c.641A>T, p.Gln214Leu (NM_001145661.2, NM_001145662.1); short protein forms Q214L.
Identifiers: ClinVar variation 4824106 (VCV004824106.1).